The following is an entry in ClinVar:

ClinVar aggregate classification (germline): Uncertain significance (1 of 4 stars; one submission).

Conditions:
Brody myopathy. Also called: BRODY DISEASE. Identifiers: Orphanet 53347, MedGen C1832918, MONDO:0010977, OMIM 601003.

Submission:

Labcorp Genetics (formerly Invitae), Labcorp
Classification: Uncertain significance for Brody myopathy. Last evaluated: 2020-02-17. Review status: criteria provided, single submitter. Criteria: Invitae Variant Classification Sherloc (09022015). Collection method: clinical testing. Allele origin: germline.
Comment: In summary, this variant is a novel missense change with uncertain impact on protein function. It has been classified as a Variant of Uncertain Significance. Algorithms developed to predict the effect of missense changes on protein structure and function do not agree on the potential impact of this missense change (SIFT: "Deleterious"; PolyPhen-2: "Probably Damaging"; Align-GVGD: "Class C0"). This variant is not present in population databases (ExAC no frequency) and has not been reported in the literature in individuals with a ATP2A1-related disease. This sequence change replaces aspartic acid with glycine at codon 659 of the ATP2A1 protein (p.Asp659Gly). The aspartic acid residue is highly conserved and there is a moderate physicochemical difference between aspartic acid and glycine.

NM_004320.6(ATP2A1):c.1976A>G (p.Asp659Gly)

Gene: ATP2A1 (ATPase sarcoplasmic/endoplasmic reticulum Ca2+ transporting 1; plus strand). Cytogenetic location: 16p11.2.
Variant type: single nucleotide variant.
Coding change: c.1976A>G on transcript NM_004320.6 (MANE Select); coding-DNA position 1976, A replaced by G.
Protein change: p.Asp659Gly; replaces aspartic acid 659 with glycine.
Molecular consequence: missense variant.
Genome position (GRCh38, 1-based): chr16:28,900,792, A>G. VCF-style: chr16-28900792-A-G. GRCh37 (hg19) VCF-style: chr16-28912113-A-G.
Other names: c.1601A>G, p.Asp534Gly (NM_001286075.2); c.1976A>G, p.Asp659Gly (NM_173201.5); short protein forms D659G, D534G.
Identifiers: ClinVar variation 464080 (VCV000464080.9), dbSNP rs1555516985, ClinGen allele CA395411341.